The following is an entry in ClinVar:

NR_146419.1(ANKRD20A4-ANKRD20A20P):n.2519G>A

Gene: ANKRD20A4-ANKRD20A20P (ANKRD20A4-ANKRD20A20P readthrough; plus strand). Cytogenetic location: 9q13.
Variant type: single nucleotide variant.
Molecular consequence: non-coding transcript variant (on NR_146419.1).
Genome position: GRCh38 VCF-style: chr9-64411512-G-A. GRCh37 (hg19) VCF-style: chr9-69423930-G-A.
Identifiers: ClinVar variation 3239114 (VCV003239114.19), dbSNP rs1431430514.

ClinVar aggregate classification (germline): Likely benign (1 of 4 stars; one submission).

Submission:

CeGaT Center for Human Genetics Tuebingen
Classification: Likely benign. Last evaluated: 2024-09-01. Review status: criteria provided, single submitter. Criteria: CeGaT Center For Human Genetics Tuebingen Variant Classification Criteria Version 2. Collection method: clinical testing. Allele origin: germline. Affected: yes. Observed: 3 variant alleles.
Comment: ANKRD20A4P: BP4, BP7